The following is an entry in ClinVar:

ClinVar aggregate classification (germline): Uncertain significance (1 of 4 stars; one submission).

Conditions:
Inborn genetic diseases. Identifiers: MedGen C0950123, MeSH D030342.

Submission:

Ambry Genetics
Classification: Uncertain significance for Inborn genetic diseases. Last evaluated: 2020-11-04. Review status: criteria provided, single submitter. Criteria: Ambry Variant Classification Scheme 2023. Collection method: clinical testing. Allele origin: germline.
Comment: The c.862C>T (p.P288S) alteration is located in coding exon 4 of the ALX3 gene. This alteration results from a C to T substitution at nucleotide position 862, causing the proline (P) at amino acid position 288 to be replaced by a serine (S). Based on data from the Genome Aggregation Database (gnomAD), the ALX3 c.862C>T alteration was not observed, with coverage at this position. This amino acid position is not well conserved in available vertebrate species. The p.P288S alteration is predicted to be tolerated by in silico analysis. Based on insufficient or conflicting evidence, the clinical significance of this alteration remains unclear.

NM_006492.3(ALX3):c.862C>T (p.Pro288Ser)

Gene: ALX3 (ALX homeobox 3; minus strand). Cytogenetic location: 1p13.3.
Variant type: single nucleotide variant.
Coding change: c.862C>T on transcript NM_006492.3 (MANE Select); coding-DNA position 862, C replaced by T.
Protein change: p.Pro288Ser; replaces proline 288 with serine.
Molecular consequence: missense variant.
Genome position (GRCh38, 1-based): chr1:110,060,903, G>A on the plus strand (C>T on the coding strand, the complement: ALX3 is on the minus strand). VCF-style: chr1-110060903-G-A. GRCh37 (hg19) VCF-style: chr1-110603525-G-A.
Other names: short protein forms P288S.
Identifiers: ClinVar variation 2227768 (VCV002227768.2), dbSNP rs866030551, ClinGen allele CA28736547.
Genomic context (GRCh38, chr1:110,060,903, plus strand): 5'-CCAGGGTGGGGGGAAAGCCATGGATGGAGTAGATGCCAGGGTGAGCCGCAGAAGGGGCTG[G>A]CACCCCCATGAAGCCAGCCACACTCCCATGGGGGTGGGAATATGGAGACATGCATGGGGA-3'
Protein context (NP_006483.2, residues 278-298): HGSVAGFMGV[Pro288Ser]APSAAHPGIY